The following is an entry in ClinVar:

NM_000038.6(APC):c.6360T>A (p.Ala2120=)

Gene: APC (APC regulator of Wnt signaling pathway; plus strand). Cytogenetic location: 5q22.2.
Variant type: single nucleotide variant.
Coding change: c.6360T>A on transcript NM_000038.6 (MANE Select); coding-DNA position 6360, T replaced by A.
Protein change: p.Ala2120=; no amino-acid change (alanine 2120 retained).
Molecular consequence: synonymous variant. On other transcripts: non-coding transcript variant (2).
Genome position (GRCh38, 1-based): chr5:112,841,954, T>A. VCF-style: chr5-112841954-T-A. GRCh37 (hg19) VCF-style: chr5-112177651-T-A.
Other names: c.6360T>A, p.Ala2120= (NM_001127510.3, NM_001354895.2, NM_001407450.1); c.6306T>A, p.Ala2102= (NM_001127511.3); c.6414T>A, p.Ala2138= (NM_001354896.2, NM_001407447.1, NM_001407448.1 and 1 more transcripts); c.6390T>A, p.Ala2130= (NM_001354897.2); c.6285T>A, p.Ala2095= (NM_001354898.2); c.6276T>A, p.Ala2092= (NM_001354899.2); c.6237T>A, p.Ala2079= (NM_001354900.2); c.6183T>A, p.Ala2061= (NM_001354901.2, NM_001407453.1); and 12 more.
Identifiers: ClinVar variation 3254285 (VCV003254285.3), dbSNP rs2149963150.

ClinVar aggregate classification (germline): Benign/Likely benign. Review status: criteria provided, multiple submitters, no conflicts (2 of 4 stars). 3 submissions from 3 submitters: Benign (1); Likely benign (2). Last evaluated 2025-10-22.

Conditions:
Hereditary cancer-predisposing syndrome. Also called: Hereditary Cancer Syndrome; Tumor predisposition; Hereditary neoplastic syndrome; Neoplastic Syndromes, Hereditary. Identifiers: Orphanet 140162, MedGen C0027672, MeSH D009386, MONDO:0015356.
Familial adenomatous polyposis 1 (FAP1). Also called: FAMILIAL ADENOMATOUS POLYPOSIS 1, ATTENUATED; POLYPOSIS, ADENOMATOUS INTESTINAL. Identifiers: MedGen C2713442, MONDO:0021056, OMIM 175100. Disease mechanism: loss of function.

Submissions (3):

Ambry Genetics
Classification: Likely benign for Hereditary cancer-predisposing syndrome. Last evaluated: 2025-10-22. Review status: criteria provided, single submitter. Criteria: Ambry Variant Classification Scheme 2023. Collection method: clinical testing. Allele origin: germline.

Labcorp Genetics (formerly Invitae), Labcorp
Classification: Likely benign for Familial adenomatous polyposis 1. Last evaluated: 2025-03-07. Review status: criteria provided, single submitter. Criteria: Invitae Variant Classification Sherloc (09022015). Collection method: clinical testing. Allele origin: germline.

Myriad Genetics, Inc.
Classification: Benign for Familial adenomatous polyposis 1. Last evaluated: 2024-04-04. Review status: criteria provided, single submitter. Criteria: Myriad Autosomal Dominant, Autosomal Recessive and X-Linked Classification Criteria (2023). Collection method: clinical testing. Allele origin: unknown.
Comment: This variant is considered benign. This variant is a silent/synonymous amino acid change and it is not expected to impact splicing.